The following is an entry in ClinVar:

ClinVar aggregate classification (germline): Uncertain significance. Review status: criteria provided, multiple submitters, no conflicts (2 of 4 stars). 2 submissions from 2 submitters: Uncertain significance (2). Last evaluated 2025-10-23.

Conditions:
Inborn genetic diseases. Identifiers: MedGen C0950123, MeSH D030342.

gnomAD v4.1: 1 of 1,613,948 alleles (0.000062%); highest among the groups gnomAD compares: Admixed American, 0.0017%; no homozygotes.

Submissions (2):

Ambry Genetics
Classification: Uncertain significance for Inborn genetic diseases. Last evaluated: 2025-10-23. Review status: criteria provided, single submitter. Criteria: Ambry Variant Classification Scheme 2023. Collection method: clinical testing. Allele origin: germline.

GeneDx
Classification: Uncertain significance. Last evaluated: 2022-07-13. Review status: criteria provided, single submitter. Criteria: GeneDx Variant Classification Process June 2021. Collection method: clinical testing. Allele origin: germline. Affected: yes.
Comment: Not observed at significant frequency in large population cohorts (gnomAD); Missense variants in this gene are often considered pathogenic (HGMD); In silico analysis supports that this missense variant does not alter protein structure/function; Has not been previously published as pathogenic or benign to our knowledge

NM_022041.4(GAN):c.776G>C (p.Gly259Ala)

Gene: GAN (gigaxonin; plus strand). Cytogenetic location: 16q23.2.
Variant type: single nucleotide variant.
Coding change: c.776G>C on transcript NM_022041.4 (MANE Select); coding-DNA position 776, G replaced by C.
Protein change: p.Gly259Ala; replaces glycine 259 with alanine.
Molecular consequence: missense variant.
Genome position (GRCh38, 1-based): chr16:81,356,927, G>C. VCF-style: chr16-81356927-G-C. GRCh37 (hg19) VCF-style: chr16-81390532-G-C.
Other names: c.137G>C, p.Gly46Ala (NM_001377486.1); short protein forms G259A, G46A.
Identifiers: ClinVar variation 1878719 (VCV001878719.2), dbSNP rs764763934, ClinGen allele CA396871911.